The following is an entry in ClinVar:

ClinVar aggregate classification (germline): Likely pathogenic. Review status: criteria provided, multiple submitters, no conflicts (2 of 4 stars). 2 submissions from 2 submitters: Likely pathogenic (2). Last evaluated 2021-10-06.

Conditions:
Hereditary cancer-predisposing syndrome. Also called: Hereditary neoplastic syndrome; Tumor predisposition; Neoplastic Syndromes, Hereditary; Hereditary Cancer Syndrome. Identifiers: Orphanet 140162, MedGen C0027672, MeSH D009386, MONDO:0015356.
Nijmegen breakage syndrome-like disorder (NBSLD). Also called: MICROCEPHALY AND SPONTANEOUS CHROMOSOME INSTABILITY WITHOUT IMMUNODEFICIENCY; NBS-LIKE DISORDER; RAD50 DEFICIENCY. Identifiers: Orphanet 240760, MedGen C2751318, MONDO:0013118, OMIM 613078.

Submissions (2):

Labcorp Genetics (formerly Invitae), Labcorp
Classification: Likely pathogenic for Hereditary cancer-predisposing syndrome. Last evaluated: 2021-10-06. Review status: criteria provided, single submitter. Criteria: Invitae Variant Classification Sherloc (09022015). Collection method: clinical testing. Allele origin: germline.
Comment: This sequence change affects an acceptor splice site in intron 7 of the RAD50 gene. It is expected to disrupt RNA splicing and likely results in an absent or disrupted protein product. This variant is not present in population databases (ExAC no frequency). In summary, the currently available evidence indicates that the variant is pathogenic, but additional data are needed to prove that conclusively. Therefore, this variant has been classified as Likely Pathogenic. Donor and acceptor splice site variants typically lead to a loss of protein function (PMID: 16199547), and loss-of-function variants in RAD50 are known to be pathogenic (PMID: 16385572, 19409520). Algorithms developed to predict the effect of sequence changes on RNA splicing suggest that this variant may disrupt the consensus splice site, but this prediction has not been confirmed by published transcriptional studies. This variant has not been reported in the literature in individuals with RAD50-related conditions.

Baylor Genetics
Classification: Likely pathogenic for Nijmegen breakage syndrome-like disorder. Last evaluated: 2021-06-08. Review status: criteria provided, single submitter. Criteria: ACMG Guidelines, 2015. Collection method: clinical testing. Allele origin: unknown.

Literature cited by the submitters: PubMed 16199547 (cited by Labcorp Genetics (formerly Invitae), Labcorp); PubMed 16385572 (cited by Labcorp Genetics (formerly Invitae), Labcorp); PubMed 19409520 (cited by Labcorp Genetics (formerly Invitae), Labcorp).

NM_005732.4(RAD50):c.1052-1G>A

Gene: RAD50 (RAD50 double strand break repair protein; plus strand). Cytogenetic location: 5q31.1.
Variant type: single nucleotide variant.
Coding change: c.1052-1G>A on transcript NM_005732.4 (MANE Select); the canonical splice acceptor site of the intron before coding-DNA position 1052, G replaced by A.
Molecular consequence: splice acceptor variant.
Genome position (GRCh38, 1-based): chr5:132,588,686, G>A. VCF-style: chr5-132588686-G-A. GRCh37 (hg19) VCF-style: chr5-131924378-G-A.
Identifiers: ClinVar variation 957035 (VCV000957035.9), dbSNP rs1750640480, ClinGen allele CA360941939.